The following is an entry in ClinVar:

NM_203446.3(SYNJ1):c.1876G>A (p.Val626Met)

Gene: SYNJ1 (synaptojanin 1; minus strand). Cytogenetic location: 21q22.11.
Variant type: single nucleotide variant.
Coding change: c.1876G>A on transcript NM_203446.3 (MANE Select); coding-DNA position 1876, G replaced by A.
Protein change: p.Val626Met; replaces valine 626 with methionine.
Molecular consequence: missense variant.
Genome position (GRCh38, 1-based): chr21:32,666,509, C>T on the plus strand (G>A on the coding strand, the complement: SYNJ1 is on the minus strand). VCF-style: chr21-32666509-C-T. GRCh37 (hg19) VCF-style: chr21-34038819-C-T.
Other names: c.1876G>A, p.Val626Met (NM_001160302.2); c.1861G>A, p.Val621Met (NM_001160306.2); c.1993G>A, p.Val665Met (NM_003895.4); short protein forms V665M, V621M, V626M.
Identifiers: ClinVar variation 837638 (VCV000837638.11), dbSNP rs2040938849, ClinGen allele CA410080745.

ClinVar aggregate classification (germline): Uncertain significance (1 of 4 stars; one submission).

Conditions:
Developmental and epileptic encephalopathy, 53. Also called: Epileptic encephalopathy, early infantile, 53. Identifiers: MedGen C4479313, MONDO:0033362, OMIM 617389.
Early-onset Parkinson disease 20. Also called: PARKINSON DISEASE 20, AUTOSOMAL RECESSIVE EARLY-ONSET. Identifiers: Orphanet 391411, MedGen C3809824, MONDO:0014233, OMIM 615530.

Submission:

Labcorp Genetics (formerly Invitae), Labcorp
Classification: Uncertain significance for Developmental and epileptic encephalopathy, 53; Early-onset Parkinson disease 20. Last evaluated: 2024-02-17. Review status: criteria provided, single submitter. Criteria: Invitae Variant Classification Sherloc (09022015). Collection method: clinical testing. Allele origin: germline.
Comment: This sequence change replaces valine, which is neutral and non-polar, with methionine, which is neutral and non-polar, at codon 665 of the SYNJ1 protein (p.Val665Met). This variant is not present in population databases (gnomAD no frequency). This variant has not been reported in the literature in individuals affected with SYNJ1-related conditions. ClinVar contains an entry for this variant (Variation ID: 837638). Advanced modeling of protein sequence and biophysical properties (such as structural, functional, and spatial information, amino acid conservation, physicochemical variation, residue mobility, and thermodynamic stability) performed at Invitae indicates that this missense variant is expected to disrupt SYNJ1 protein function with a positive predictive value of 80%. In summary, the available evidence is currently insufficient to determine the role of this variant in disease. Therefore, it has been classified as a Variant of Uncertain Significance.